The following is an entry in ClinVar:

NM_000283.4(PDE6B):c.1129G>A (p.Gly377Arg)

Gene: PDE6B (phosphodiesterase 6B; plus strand). Cytogenetic location: 4p16.3.
Variant type: single nucleotide variant.
Coding change: c.1129G>A on transcript NM_000283.4 (MANE Select); coding-DNA position 1129, G replaced by A.
Protein change: p.Gly377Arg; replaces glycine 377 with arginine.
Molecular consequence: missense variant. On other transcripts: 5 prime UTR variant (1).
Genome position (GRCh38, 1-based): chr4:656,895, G>A. VCF-style: chr4-656895-G-A. GRCh37 (hg19) VCF-style: chr4-650684-G-A.
Other names: c.1129G>A, p.Gly377Arg (NM_001145291.2); c.292G>A, p.Gly98Arg (NM_001145292.2, NM_001350154.3, NM_001379246.1 and 1 more transcripts); c.-27G>A (NM_001350155.3); short protein forms G98R, G377R.
Identifiers: ClinVar variation 836025 (VCV000836025.11), dbSNP rs373742526, ClinGen allele CA2794371.

ClinVar aggregate classification (germline): Uncertain significance. Review status: criteria provided, multiple submitters, no conflicts (2 of 4 stars). 3 submissions from 3 submitters: Uncertain significance (3). Last evaluated 2024-12-12.

Allele frequency attached by ClinVar (database versions not stated): gnomAD 0.00001; TOPMed 0.00002; ExAC 0.00003; ESP Exome Variant Server 0.00008.
gnomAD v4.1: 67 of 1,612,762 alleles (0.0042%); highest among the groups gnomAD compares: East Asian, 0.0067%; no homozygotes.

Submissions (3):

Revvity Omics, Revvity
Classification: Uncertain significance. Last evaluated: 2024-12-12. Review status: criteria provided, single submitter. Criteria: ACMG Guidelines, 2015. Collection method: clinical testing. Allele origin: germline.

Labcorp Genetics (formerly Invitae), Labcorp
Classification: Uncertain significance. Last evaluated: 2023-11-17. Review status: criteria provided, single submitter. Criteria: Invitae Variant Classification Sherloc (09022015). Collection method: clinical testing. Allele origin: germline.
Comment: This sequence change replaces glycine, which is neutral and non-polar, with arginine, which is basic and polar, at codon 377 of the PDE6B protein (p.Gly377Arg). This variant is present in population databases (rs373742526, gnomAD 0.003%). This variant has not been reported in the literature in individuals affected with PDE6B-related conditions. ClinVar contains an entry for this variant (Variation ID: 836025). Advanced modeling of protein sequence and biophysical properties (such as structural, functional, and spatial information, amino acid conservation, physicochemical variation, residue mobility, and thermodynamic stability) has been performed at Invitae for this missense variant, however the output from this modeling did not meet the statistical confidence thresholds required to predict the impact of this variant on PDE6B protein function. In summary, the available evidence is currently insufficient to determine the role of this variant in disease. Therefore, it has been classified as a Variant of Uncertain Significance.

Blueprint Genetics
Classification: Uncertain significance. Last evaluated: 2020-04-10. Review status: criteria provided, single submitter. Criteria: ACMG Guidelines, 2015. Collection method: clinical testing. Allele origin: germline.